The following is an entry in ClinVar:

ClinVar aggregate classification (germline): Uncertain significance. Review status: criteria provided, multiple submitters, no conflicts (2 of 4 stars). 5 submissions from 5 submitters: Uncertain significance (5). Last evaluated 2024-05-21.

Conditions:
Hereditary cancer-predisposing syndrome. Also called: Hereditary neoplastic syndrome; Tumor predisposition; Neoplastic Syndromes, Hereditary; Hereditary Cancer Syndrome. Identifiers: Orphanet 140162, MedGen C0027672, MeSH D009386, MONDO:0015356.
Tuberous sclerosis 2 (TSC2). Identifiers: Orphanet 805, MedGen C1860707, MONDO:0013199, OMIM 613254.
Tuberous sclerosis syndrome (TSC). Also called: Tuberous Sclerosis Complex; Tuberous sclerosis. Identifiers: Orphanet 805, MedGen C0041341, MONDO:0001734.

Allele frequency attached by ClinVar (database versions not stated): gnomAD exomes below 0.00001.
gnomAD v4.1: 2 of 1,613,648 alleles (0.00012%); highest among the groups gnomAD compares: Non-Finnish European, 0.00017%; no homozygotes.

Submissions (5):

Labcorp Genetics (formerly Invitae), Labcorp
Classification: Uncertain significance for Tuberous sclerosis 2. Last evaluated: 2024-05-21. Review status: criteria provided, single submitter. Criteria: Invitae Variant Classification Sherloc (09022015). Collection method: clinical testing. Allele origin: germline.
Comment: This sequence change replaces leucine, which is neutral and non-polar, with phenylalanine, which is neutral and non-polar, at codon 567 of the TSC2 protein (p.Leu567Phe). This variant is not present in population databases (gnomAD no frequency). This variant has not been reported in the literature in individuals affected with TSC2-related conditions. ClinVar contains an entry for this variant (Variation ID: 855554). Advanced modeling of protein sequence and biophysical properties (such as structural, functional, and spatial information, amino acid conservation, physicochemical variation, residue mobility, and thermodynamic stability) performed at Invitae indicates that this missense variant is not expected to disrupt TSC2 protein function with a negative predictive value of 95%. In summary, the available evidence is currently insufficient to determine the role of this variant in disease. Therefore, it has been classified as a Variant of Uncertain Significance.

All of Us Research Program, National Institutes of Health
Classification: Uncertain significance for Tuberous sclerosis syndrome. Last evaluated: 2023-11-02. Review status: criteria provided, single submitter. Criteria: ACMG Guidelines, 2015. Collection method: clinical testing. Allele origin: germline. Inheritance: Autosomal dominant inheritance. Observed: 1 variant allele, 1 heterozygote.
Comment: This missense variant replaces leucine with phenylalanine at codon 567 of the TSC2 protein. Computational prediction suggests that this variant may have deleterious impact on protein structure and function (internally defined REVEL score threshold >= 0.7, PMID: 27666373). To our knowledge, functional studies have not been reported for this variant. This variant has not been reported in individuals affected with TSC2-related disorders in the literature. This variant has not been identified in the general population by the Genome Aggregation Database (gnomAD). The available evidence is insufficient to determine the role of this variant in disease conclusively. Therefore, this variant is classified as a Variant of Uncertain Significance.

This study involves interpretation of variants in research participants for the purpose of population health screening. Participant phenotype was not available at the time of variant classification. Additional details can be found in publication PMID: 35346344, PMCID: PMC8962531

Color Diagnostics, LLC DBA Color Health
Classification: Uncertain significance for Tuberous sclerosis syndrome. Last evaluated: 2023-10-11. Review status: criteria provided, single submitter. Criteria: ACMG Guidelines, 2015. Collection method: clinical testing. Allele origin: germline.
Comment: This missense variant replaces leucine with phenylalanine at codon 567 of the TSC2 protein. Computational prediction suggests that this variant may have deleterious impact on protein structure and function. To our knowledge, functional studies have not been reported for this variant. This variant has not been reported in individuals affected with TSC2-related disorders in the literature. This variant has not been identified in the general population by the Genome Aggregation Database (gnomAD). The available evidence is insufficient to determine the role of this variant in disease conclusively. Therefore, this variant is classified as a Variant of Uncertain Significance.

Ambry Genetics
Classification: Uncertain significance for Hereditary cancer-predisposing syndrome. Last evaluated: 2023-09-28. Review status: criteria provided, single submitter. Criteria: Ambry Variant Classification Scheme 2023. Collection method: clinical testing. Allele origin: germline.
Comment: The p.L567F variant (also known as c.1699C>T), located in coding exon 15 of the TSC2 gene, results from a C to T substitution at nucleotide position 1699. The leucine at codon 567 is replaced by phenylalanine, an amino acid with highly similar properties. This amino acid position is conserved. In addition, this alteration is predicted to be deleterious by in silico analysis. Since supporting evidence is limited at this time, the clinical significance of this alteration remains unclear.

Sema4
Classification: Uncertain significance for Hereditary cancer-predisposing syndrome. Last evaluated: 2022-02-02. Review status: criteria provided, single submitter. Criteria: Sema4 Curation Guidelines. Collection method: curation. Allele origin: germline.
Comment: The TSC2 c.1699C>T (p.L567F) variant has not been reported in the literature to our knowledge. It was not observed in the large and broad cohorts of the Genome Aggregation Database. The variant has been reported in ClinVar (Variation ID 855554). In silico tools suggest the impact of the variant on protein function is deleterious, though these predictions have not been confirmed by functional studies. The evidence is insufficient to meet ACMG/AMP criteria for classifying the variant as benign or pathogenic. Thus, the clinical significance of this variant is currently uncertain.

NM_000548.5(TSC2):c.1699C>T (p.Leu567Phe)

Gene: TSC2 (TSC complex subunit 2; plus strand). Cytogenetic location: 16p13.3.
Variant type: single nucleotide variant.
Coding change: c.1699C>T on transcript NM_000548.5 (MANE Select); coding-DNA position 1699, C replaced by T.
Protein change: p.Leu567Phe; replaces leucine 567 with phenylalanine.
Molecular consequence: missense variant.
Genome position (GRCh38, 1-based): chr16:2,065,618, C>T. VCF-style: chr16-2065618-C-T. GRCh37 (hg19) VCF-style: chr16-2115619-C-T.
Other names: c.1699C>T, p.Leu567Phe (NM_001077183.3, NM_001114382.3, NM_001363528.2 and 3 more transcripts); c.1588C>T, p.Leu530Phe (NM_001318827.2); c.1552C>T, p.Leu518Phe (NM_001318829.2); c.1099C>T, p.Leu367Phe (NM_001318831.2); c.1732C>T, p.Leu578Phe (NM_001318832.2); short protein forms L567F, L367F, L578F, L518F, L530F.
Identifiers: ClinVar variation 855554 (VCV000855554.13), dbSNP rs2087240694, ClinGen allele CA394270650.